The following is an entry in ClinVar:

ClinVar aggregate classification (germline): Uncertain significance (1 of 4 stars; one submission).

Conditions:
Sialuria. Also called: SIALURIA, FRENCH TYPE; Sialic Acid Storage Disease. Identifiers: Orphanet 3166, MedGen C0342853, MONDO:0010028, OMIM 269921.
GNE myopathy (NM). Also called: NONAKA DISTAL MYOPATHY; INCLUSION BODY MYOPATHY, HEREDITARY, AUTOSOMAL RECESSIVE; INCLUSION BODY MYOPATHY 2, AUTOSOMAL RECESSIVE; MYOPATHY, DISTAL, WITH OR WITHOUT RIMMED VACUOLES; IBM 2; Inclusion body myopathy autosomal recessive. Identifiers: Orphanet 602, MedGen C1853926, MONDO:0011603, OMIM 605820.

Submission:

Labcorp Genetics (formerly Invitae), Labcorp
Classification: Uncertain significance for Sialuria; GNE myopathy. Last evaluated: 2024-06-06. Review status: criteria provided, single submitter. Criteria: Invitae Variant Classification Sherloc (09022015). Collection method: clinical testing. Allele origin: germline.
Comment: This sequence change falls in intron 7 of the GNE gene. It does not directly change the encoded amino acid sequence of the GNE protein. The frequency data for this variant in the population databases is considered unreliable, as metrics indicate poor data quality at this position in the gnomAD database. This variant has not been reported in the literature in individuals affected with GNE-related conditions. Experimental studies and prediction algorithms are not available or were not evaluated, and the effect of this variant on mRNA splicing is currently unknown. In summary, the available evidence is currently insufficient to determine the role of this variant in disease. Therefore, it has been classified as a Variant of Uncertain Significance.

NM_005476.7(GNE):c.1282-17_1282-16insGACCTCATGATCCACCCGCCTCGG

Gene: GNE (glucosamine (UDP-N-acetyl)-2-epimerase/N-acetylmannosamine kinase; minus strand). Cytogenetic location: 9p13.3.
Variant type: Insertion.
Coding change: c.1282-17_1282-16insGACCTCATGATCCACCCGCCTCGG on transcript NM_005476.7 (MANE Select); 17 bases into the intron before coding-DNA position 1282 through 16 bases into the intron before coding-DNA position 1282, GACCTCATGATCCACCCGCCTCGG inserted.
Molecular consequence: intron variant.
Genome position: GRCh38 VCF-style: chr9-36223518-A-ACCCGAGGCGGGTGGATCATGAGGT. GRCh37 (hg19) VCF-style: chr9-36223515-A-ACCCGAGGCGGGTGGATCATGAGGT.
Other names: c.1105-17_1105-16insGACCTCATGATCCACCCGCCTCGG (NM_001190388.2, NM_001374798.1); c.1375-17_1375-16insGACCTCATGATCCACCCGCCTCGG (NM_001128227.3); c.952-17_952-16insGACCTCATGATCCACCCGCCTCGG (NM_001190384.3); c.1129-17_1129-16insGACCTCATGATCCACCCGCCTCGG (NM_001374797.1); c.1282-17_1282-16insGACCTCATGATCCACCCGCCTCGG (NM_001190383.3).
Identifiers: ClinVar variation 2932415 (VCV002932415.3), dbSNP rs755415392, ClinGen allele CA5056512.